The following is an entry in ClinVar:

NM_000059.4(BRCA2):c.1661del (p.Cys554fs)

Gene: BRCA2 (BRCA2 DNA repair associated; plus strand). Cytogenetic location: 13q13.1.
Variant type: Deletion.
Coding change: c.1661del on transcript NM_000059.4 (MANE Select); coding-DNA position 1661, one base deleted (G; older notation c.1661delG).
Protein change: p.Cys554fs; shifts the reading frame from cysteine 554.
Molecular consequence: frameshift variant. On other transcripts: non-coding transcript variant (1), intron variant (1).
Genome position (GRCh38, 1-based): chr13:32,333,139, G deleted. VCF-style (leftmost placement, unchanged base first): chr13-32333138-TG-T. GRCh37 (hg19) VCF-style: chr13-32907275-TG-T.
Other names: c.1661del, p.Cys554fs (NM_001406719.1, NM_001406720.1, NM_001406721.1); c.424+2109del (NM_001406722.1); short protein forms C554fs.
Identifiers: ClinVar variation 2704926 (VCV002704926.3), dbSNP rs2548520742, ClinGen allele CA2697551735.
Genomic context (GRCh38, chr13:32,333,138, plus strand): 5'-GAAGCCTCTGAAAGTGGACTGGAAATACATACTGTTTGCTCACAGAAGGAGGACTCCTTA[TG>T]TCCAAATTTAATTGATAATGGAAGCTGGCCAGCCACCACCACACAGAATTCTGTAGCTTT-3'

ClinVar aggregate classification (germline): Pathogenic (1 of 4 stars; one submission).

Conditions:
Hereditary breast ovarian cancer syndrome. Also called: Hereditary breast and/or ovarian cancer syndrome; Hereditary breast and ovarian cancer syndrome (HBOC); Breast and ovarian cancer; Hereditary breast and ovarian cancer syndrome; Hereditary breast and ovarian cancer; BRCA1- and BRCA2-Associated Hereditary Breast and Ovarian Cancer. Identifiers: Orphanet 145, MedGen C0677776, MeSH D061325, MONDO:0003582. Disease mechanism: loss of function.

Submission:

Labcorp Genetics (formerly Invitae), Labcorp
Classification: Pathogenic for Hereditary breast ovarian cancer syndrome. Last evaluated: 2024-06-17. Review status: criteria provided, single submitter. Criteria: Invitae Variant Classification Sherloc (09022015). Collection method: clinical testing. Allele origin: germline.
Comment: This sequence change creates a premature translational stop signal (p.Cys554Phefs*4) in the BRCA2 gene. It is expected to result in an absent or disrupted protein product. Loss-of-function variants in BRCA2 are known to be pathogenic (PMID: 20104584). This variant is not present in population databases (gnomAD no frequency). This variant has not been reported in the literature in individuals affected with BRCA2-related conditions. For these reasons, this variant has been classified as Pathogenic.

Literature cited by the submitters: PubMed 20104584.